The following is an entry in ClinVar:

ClinVar aggregate classification (germline): Uncertain significance. Review status: criteria provided, multiple submitters, no conflicts (2 of 4 stars). 2 submissions from 2 submitters: Uncertain significance (2). Last evaluated 2025-04-09.

Conditions:
Inborn genetic diseases. Identifiers: MedGen C0950123, MeSH D030342.
Cardiovascular phenotype. Identifiers: MedGen CN230736.

Allele frequency attached by ClinVar (database versions not stated): gnomAD exomes 0.00008; ESP Exome Variant Server 0.00015; ExAC 0.00021; 1000 Genomes Project 0.00040; 1000 Genomes Project 30x 0.00047.
gnomAD v4.1: 176 of 1,612,316 alleles (0.011%); highest among the groups gnomAD compares: Admixed American, 0.092%; 1 homozygote.

Submissions (2):

Molecular Diagnostic Laboratory for Inherited Cardiovascular Disease, Montreal Heart Institute
Classification: Uncertain significance for Cardiovascular phenotype. Last evaluated: 2025-04-09. Review status: criteria provided, single submitter. Criteria: ACMG Guidelines, 2015. Collection method: clinical testing. Allele origin: germline. Affected: yes.
Comment: PM2

Ambry Genetics
Classification: Uncertain significance for Inborn genetic diseases. Last evaluated: 2021-08-30. Review status: criteria provided, single submitter. Criteria: Ambry Variant Classification Scheme 2023. Collection method: clinical testing. Allele origin: germline.

NM_198060.4(NRAP):c.1711G>A (p.Ala571Thr)

Gene: NRAP (nebulin related anchoring protein; minus strand). Cytogenetic location: 10q25.3.
Variant type: single nucleotide variant.
Coding change: c.1711G>A on transcript NM_198060.4 (MANE Select); coding-DNA position 1711, G replaced by A.
Protein change: p.Ala571Thr; replaces alanine 571 with threonine.
Molecular consequence: missense variant.
Genome position (GRCh38, 1-based): chr10:113,631,886, C>T on the plus strand (G>A on the coding strand, the complement: NRAP is on the minus strand). VCF-style: chr10-113631886-C-T. GRCh37 (hg19) VCF-style: chr10-115391645-C-T.
Other names: c.1711G>A, p.Ala571Thr (NM_001261463.2, NM_001322945.2); c.1606G>A, p.Ala536Thr (NM_006175.5); c.1711G>A (NM_198060.3); short protein forms A536T, A571T.
Identifiers: ClinVar variation 3201998 (VCV003201998.2), dbSNP rs200797026, ClinGen allele CA5695449.